The following is an entry in ClinVar:

ClinVar aggregate classification (germline): Pathogenic (1 of 4 stars; one submission).

Conditions:
Immunodeficiency 25. Also called: Immunodeficiency due to defect in cd3-zeta, somatic. Identifiers: MedGen C1857798, MONDO:0012426, OMIM 610163.

Submission:

Labcorp Genetics (formerly Invitae), Labcorp
Classification: Pathogenic for Immunodeficiency 25. Last evaluated: 2021-01-29. Review status: criteria provided, single submitter. Criteria: Invitae Variant Classification Sherloc (09022015). Collection method: clinical testing. Allele origin: germline.
Comment: This variant has not been reported in the literature in individuals with CD247-related conditions. For these reasons, this variant has been classified as Pathogenic. This variant is not present in population databases (ExAC no frequency). This sequence change creates a premature translational stop signal (p.Arg79*) in the CD247 gene. It is expected to result in an absent or disrupted protein product. Loss-of-function variants in CD247 are known to be pathogenic (PMID: 17170122, 26542031).

Literature cited by the submitters: PubMed 17170122; PubMed 26542031.

NM_198053.3(CD247):c.235C>T (p.Arg79Ter)

Gene: CD247 (CD247 molecule; minus strand). Cytogenetic location: 1q24.2.
Variant type: single nucleotide variant.
Coding change: c.235C>T on transcript NM_198053.3 (MANE Select); coding-DNA position 235, C replaced by T.
Protein change: p.Arg79Ter; replaces arginine 79 with a stop codon.
Molecular consequence: nonsense.
Genome position (GRCh38, 1-based): chr1:167,438,635, G>A on the plus strand (C>T on the coding strand, the complement: CD247 is on the minus strand). VCF-style: chr1-167438635-G-A. GRCh37 (hg19) VCF-style: chr1-167407872-G-A.
Other names: c.235C>T, p.Arg79Ter (NM_000734.4); c.328C>T, p.Arg110Ter (NM_001378515.1, NM_001378516.1); short protein forms R110*, R79*.
Identifiers: ClinVar variation 1367517 (VCV001367517.6), dbSNP rs779397562, ClinGen allele CA343462689.